The following is an entry in ClinVar:

NM_001159773.2(CANT1):c.278del (p.Leu93fs)

Gene: CANT1 (calcium activated nucleotidase 1; minus strand). Cytogenetic location: 17q25.3.
Variant type: Deletion.
Coding change: c.278del on transcript NM_001159773.2 (MANE Select); coding-DNA position 278, one base deleted (T; older notation c.278delT).
Protein change: p.Leu93fs; shifts the reading frame from leucine 93.
Molecular consequence: frameshift variant.
Genome position (GRCh38, 1-based): chr17:78,997,345, A deleted on the plus strand (T on the coding strand, the reverse complement: CANT1 is on the minus strand). VCF-style (leftmost placement, unchanged base first): chr17-78997344-CA-C. GRCh37 (hg19) VCF-style: chr17-76993426-CA-C.
Other names: c.278del, p.Leu93fs (NM_001159772.2, NM_138793.4); short protein forms L93fs.
Identifiers: ClinVar variation 195399 (VCV000195399.8), dbSNP rs767601069, ClinGen allele CA201723.
Genomic context (GRCh38, chr17:78,997,344, plus strand): 5'-CAGGTCTGCGATAACTGCGATTCGATACCGAATCCCAGCCGGTGTCCTTTGTGGGGGAGA[CA>C]GGGGGTAGGTGTCATTGTACCAGTTGGCGGGCGCCTGGCCGAGCCTCCAGTTGTGTGCAT-3'

ClinVar aggregate classification (germline): Pathogenic. Review status: criteria provided, multiple submitters, no conflicts (2 of 4 stars). 2 submissions from 2 submitters: Pathogenic (2). Last evaluated 2024-01-30.

Allele frequency attached by ClinVar (database versions not stated): gnomAD exomes below 0.00001; ExAC 0.00001.

Submissions (2):

Labcorp Genetics (formerly Invitae), Labcorp
Classification: Pathogenic. Last evaluated: 2024-01-30. Review status: criteria provided, single submitter. Criteria: Invitae Variant Classification Sherloc (09022015). Collection method: clinical testing. Allele origin: germline.
Comment: This sequence change creates a premature translational stop signal (p.Leu93Argfs*37) in the CANT1 gene. It is expected to result in an absent or disrupted protein product. Loss-of-function variants in CANT1 are known to be pathogenic (PMID: 19853239, 21037275, 22539336). This variant is present in population databases (rs767601069, gnomAD 0.0009%). This variant has not been reported in the literature in individuals affected with CANT1-related conditions. ClinVar contains an entry for this variant (Variation ID: 195399). For these reasons, this variant has been classified as Pathogenic.

Eurofins Ntd Llc (ga)
Classification: Pathogenic. Last evaluated: 2015-03-17. Review status: criteria provided, single submitter. Criteria: EGL Classification Definitions 2015. Collection method: clinical testing. Allele origin: germline. Observed: 2 variant alleles, 2 heterozygotes.

Literature cited by the submitters: PubMed 19853239 (cited by Labcorp Genetics (formerly Invitae), Labcorp); PubMed 21037275 (cited by Labcorp Genetics (formerly Invitae), Labcorp); PubMed 22539336 (cited by Labcorp Genetics (formerly Invitae), Labcorp).